The following is an entry in ClinVar:

ClinVar aggregate classification (germline): Uncertain significance. Review status: criteria provided, multiple submitters, no conflicts (2 of 4 stars). 3 submissions from 3 submitters: Uncertain significance (3). Last evaluated 2026-08-28.

Conditions:
Inborn genetic diseases. Identifiers: MedGen C0950123, MeSH D030342.

Allele frequency attached by ClinVar (database versions not stated): gnomAD 0.00003; TOPMed 0.00003.
gnomAD v4.1: 17 of 1,613,656 alleles (0.0011%); highest among the groups gnomAD compares: Admixed American, 0.0017%; no homozygotes.

Submissions (3):

GeneDx
Classification: Uncertain significance. Last evaluated: 2026-08-28. Review status: criteria provided, single submitter. Criteria: GeneDx Variant Classification Process June 2021. Collection method: clinical testing. Allele origin: germline.
Comment: Not observed at significant frequency in large population cohorts (gnomAD); In silico analysis supports that this missense variant has a deleterious effect on protein structure/function; Has not been previously published as pathogenic or benign to our knowledge

Ambry Genetics
Classification: Uncertain significance for Inborn genetic diseases. Last evaluated: 2024-11-23. Review status: criteria provided, single submitter. Criteria: Ambry Variant Classification Scheme 2023. Collection method: clinical testing. Allele origin: germline.
Comment: The p.I1201R variant (also known as c.3602T>G), located in coding exon 1 of the SAMD9 gene, results from a T to G substitution at nucleotide position 3602. The isoleucine at codon 1201 is replaced by arginine, an amino acid with similar properties. This amino acid position is conserved. In addition, the in silico prediction for this alteration is inconclusive. Based on the available evidence, the clinical significance of this variant remains unclear.

Labcorp Genetics (formerly Invitae), Labcorp
Classification: Uncertain significance. Last evaluated: 2022-09-26. Review status: criteria provided, single submitter. Criteria: Invitae Variant Classification Sherloc (09022015). Collection method: clinical testing. Allele origin: germline.
Comment: This sequence change replaces isoleucine, which is neutral and non-polar, with arginine, which is basic and polar, at codon 1201 of the SAMD9 protein (p.Ile1201Arg). This variant is present in population databases (no rsID available, gnomAD 0.1%). This variant has not been reported in the literature in individuals affected with SAMD9-related conditions. Advanced modeling of protein sequence and biophysical properties (such as structural, functional, and spatial information, amino acid conservation, physicochemical variation, residue mobility, and thermodynamic stability) has been performed at Invitae for this missense variant, however the output from this modeling did not meet the statistical confidence thresholds required to predict the impact of this variant on SAMD9 protein function. In summary, the available evidence is currently insufficient to determine the role of this variant in disease. Therefore, it has been classified as a Variant of Uncertain Significance.

NM_017654.4(SAMD9):c.3602T>G (p.Ile1201Arg)

Gene: SAMD9 (sterile alpha motif domain containing 9; minus strand). Cytogenetic location: 7q21.2.
Variant type: single nucleotide variant.
Coding change: c.3602T>G on transcript NM_017654.4 (MANE Select); coding-DNA position 3602, T replaced by G.
Protein change: p.Ile1201Arg; replaces isoleucine 1201 with arginine.
Molecular consequence: missense variant.
Genome position (GRCh38, 1-based): chr7:93,102,496, A>C on the plus strand (T>G on the coding strand, the complement: SAMD9 is on the minus strand). VCF-style: chr7-93102496-A-C. GRCh37 (hg19) VCF-style: chr7-92731809-A-C.
Other names: c.3602T>G, p.Ile1201Arg (NM_001193307.2); c.3602T>G (NM_017654.3); short protein forms I1201R.
Identifiers: ClinVar variation 2184206 (VCV002184206.5), dbSNP rs1031601806, ClinGen allele CA161990278.